The following is an entry in ClinVar:

NM_015512.5(DNAH1):c.5062G>A (p.Ala1688Thr)

Gene: DNAH1 (dynein axonemal heavy chain 1; plus strand). Cytogenetic location: 3p21.1.
Variant type: single nucleotide variant.
Coding change: c.5062G>A on transcript NM_015512.5 (MANE Select); coding-DNA position 5062, G replaced by A.
Protein change: p.Ala1688Thr; replaces alanine 1688 with threonine.
Molecular consequence: missense variant.
Genome position (GRCh38, 1-based): chr3:52,362,469, G>A. VCF-style: chr3-52362469-G-A. GRCh37 (hg19) VCF-style: chr3-52396485-G-A.
Other names: short protein forms A1688T.
Identifiers: ClinVar variation 1439869 (VCV001439869.5), dbSNP rs755991808, ClinGen allele CA2434083.

ClinVar aggregate classification (germline): Uncertain significance (1 of 4 stars; one submission).

Conditions:
Spermatogenic failure 18. Identifiers: MedGen C4539783, MONDO:0054615, OMIM 617576.
Ciliary dyskinesia, primary, 37 (CILD37). Also called: CILIARY DYSKINESIA, PRIMARY, 37, WITH OR WITHOUT SITUS INVERSUS. Identifiers: MedGen C4539798, MONDO:0033204, OMIM 617577.

Allele frequency attached by ClinVar (database versions not stated): gnomAD 0.00001; gnomAD exomes 0.00002 and 0.00010; TOPMed 0.00004; ExAC 0.00008.
gnomAD v4.1: 34 of 1,613,786 alleles (0.0021%); highest among the groups gnomAD compares: Admixed American, 0.04%; no homozygotes.

Submission:

Labcorp Genetics (formerly Invitae), Labcorp
Classification: Uncertain significance for Ciliary dyskinesia, primary, 37; Spermatogenic failure 18. Last evaluated: 2022-09-01. Review status: criteria provided, single submitter. Criteria: Invitae Variant Classification Sherloc (09022015). Collection method: clinical testing. Allele origin: germline.
Comment: This sequence change replaces alanine, which is neutral and non-polar, with threonine, which is neutral and polar, at codon 1688 of the DNAH1 protein (p.Ala1688Thr). This variant is present in population databases (rs755991808, gnomAD 0.06%). This variant has not been reported in the literature in individuals affected with DNAH1-related conditions. ClinVar contains an entry for this variant (Variation ID: 1439869). Advanced modeling of protein sequence and biophysical properties (such as structural, functional, and spatial information, amino acid conservation, physicochemical variation, residue mobility, and thermodynamic stability) performed at Invitae indicates that this missense variant is expected to disrupt DNAH1 protein function. In summary, the available evidence is currently insufficient to determine the role of this variant in disease. Therefore, it has been classified as a Variant of Uncertain Significance.